The following is an entry in ClinVar:

ClinVar aggregate classification (germline): Pathogenic (1 of 4 stars; one submission).

Submission:

Labcorp Genetics (formerly Invitae), Labcorp
Classification: Pathogenic. Last evaluated: 2021-10-22. Review status: criteria provided, single submitter. Criteria: Invitae Variant Classification Sherloc (09022015). Collection method: clinical testing. Allele origin: germline.
Comment: For these reasons, this variant has been classified as Pathogenic. This variant has not been reported in the literature in individuals affected with TMEM38B-related conditions. A gross deletion of the genomic region encompassing the full coding sequence of the TMEM38B gene has been identified. Loss-of-function variants in TMEM38B are known to be pathogenic (PMID: 17611541, 23054245). The boundaries of this event are unknown as they extend beyond the assayed region for this gene and therefore may encompass additional genes.

Literature cited by the submitters: PubMed 17611541; PubMed 23054245.

NC_000009.11:g.(?_108456942)_(108536361_?)del

Gene: TMEM38B (transmembrane protein 38B; plus strand). Cytogenetic location: 9q31.2.
Variant type: Deletion.
Identifiers: ClinVar variation 2426437 (VCV002426437.4).